The following is an entry in ClinVar:

ClinVar aggregate classification (germline): Uncertain significance (1 of 4 stars; one submission).

Conditions:
Inborn genetic diseases. Identifiers: MedGen C0950123, MeSH D030342.

gnomAD v4.1: 3 of 1,614,000 alleles (0.00019%); highest among the groups gnomAD compares: Non-Finnish European, 0.00017%; no homozygotes.

Submission:

Ambry Genetics
Classification: Uncertain significance for Inborn genetic diseases. Last evaluated: 2025-07-24. Review status: criteria provided, single submitter. Criteria: Ambry Variant Classification Scheme 2023. Collection method: clinical testing. Allele origin: germline.
Comment: The p.E521K variant (also known as c.1561G>A), located in coding exon 10 of the LTBP3 gene, results from a G to A substitution at nucleotide position 1561. The glutamic acid at codon 521 is replaced by lysine, an amino acid with similar properties. This amino acid position is conserved. In addition, the in silico prediction for this alteration is inconclusive. Based on the available evidence, the clinical significance of this variant remains unclear.

NM_001130144.3(LTBP3):c.1561G>A (p.Glu521Lys)

Gene: LTBP3 (latent transforming growth factor beta binding protein 3; minus strand). Cytogenetic location: 11q13.1.
Variant type: single nucleotide variant.
Coding change: c.1561G>A on transcript NM_001130144.3 (MANE Select); coding-DNA position 1561, G replaced by A.
Protein change: p.Glu521Lys; replaces glutamic acid 521 with lysine.
Molecular consequence: missense variant.
Genome position (GRCh38, 1-based): chr11:65,551,462, C>T on the plus strand (G>A on the coding strand, the complement: LTBP3 is on the minus strand). VCF-style: chr11-65551462-C-T. GRCh37 (hg19) VCF-style: chr11-65318933-C-T.
Other names: c.1210G>A, p.Glu404Lys (NM_001164266.1); c.1561G>A, p.Glu521Lys (NM_021070.4); short protein forms E404K, E521K.
Identifiers: ClinVar variation 4101311 (VCV004101311.1).